The following is an entry in ClinVar:

ClinVar aggregate classification (germline): Likely benign (1 of 4 stars; one submission).

Conditions:
Breast-ovarian cancer, familial, susceptibility to, 2 (BROVCA2). Also called: BRCA2 Hereditary Breast and Ovarian Cancer. Identifiers: Orphanet 145, MedGen C2675520, MONDO:0012933, OMIM 612555. Disease mechanism: loss of function.

gnomAD v4.1: 1 of 1,612,784 alleles (0.000062%); highest among the groups gnomAD compares: South Asian, 0.0011%; no homozygotes.

Submission:

Cancer Bioinformatics and Tumour Evolution Laboratory, Monash University
Classification: Likely benign for Breast-ovarian cancer, familial, susceptibility to, 2. Last evaluated: 2026-05-01. Review status: criteria provided, single submitter. Criteria: ClinGen BRCA1 and BRCA2 Guidelines, 2024. Collection method: curation. Allele origin: germline. Inheritance: Autosomal dominant inheritance.
Comment: This variant is in a functional domain (DNA Binding Domains). The BayesDel score is -0.0842042, which means no deleterious impact is predicted. Hence, BP4 is applied. PMID: 39779857 - SGE and HDR analysis on haploid human HAP1 cells. All missenses in this position were analysed and they were found to be benign. PMID: 39779848 - SGE followed by HDR on mES cells. All missenses in this position were analysed, including our variant. All of them were found to be benign except S2998A, which was uncertain. Based on these functional studies, BS3 is applied.

Literature cited by the submitters: PubMed 39779857; PubMed 39779848.

NM_000059.4(BRCA2):c.8992T>A (p.Ser2998Thr)

Gene: BRCA2 (BRCA2 DNA repair associated; plus strand). Cytogenetic location: 13q13.1.
Variant type: single nucleotide variant.
Coding change: c.8992T>A on transcript NM_000059.4 (MANE Select); coding-DNA position 8992, T replaced by A.
Protein change: p.Ser2998Thr; replaces serine 2998 with threonine.
Molecular consequence: missense variant. On other transcripts: non-coding transcript variant (1), intron variant (1).
Genome position (GRCh38, 1-based): chr13:32,379,788, T>A. VCF-style: chr13-32379788-T-A. GRCh37 (hg19) VCF-style: chr13-32953925-T-A.
Other names: c.8896T>A, p.Ser2966Thr (NM_001406719.1); c.4060T>A, p.Ser1354Thr (NM_001406721.1); c.2575T>A, p.Ser859Thr (NM_001406722.1); c.8992T>A, p.Ser2998Thr (NM_001432077.1); c.8954-13T>A (NM_001406720.1); short protein forms S1354T, S2966T, S2998T, S859T.
Identifiers: ClinVar variation 4856448 (VCV004856448.1).